The following is an entry in ClinVar:

ClinVar aggregate classification (germline): Pathogenic (1 of 4 stars; one submission).

Conditions:
Neurofibromatosis, type 1 (NF1). Also called: VON RECKLINGHAUSEN DISEASE; Neurofibromatosis, type I; NEUROFIBROMATOSIS, TYPE I, SOMATIC; Peripheral type neurofibromatosis. Identifiers: Orphanet 636, MedGen C0027831, MONDO:0018975, OMIM 162200. Disease mechanism: loss of function.

Submission:

Labcorp Genetics (formerly Invitae), Labcorp
Classification: Pathogenic for Neurofibromatosis, type 1. Last evaluated: 2025-12-10. Review status: criteria provided, single submitter. Criteria: Invitae Variant Classification Sherloc (09022015). Collection method: clinical testing. Allele origin: germline.
Comment: This sequence change creates a premature translational stop signal (p.Ser2446Phefs*16) in the NF1 gene. It is expected to result in an absent or disrupted protein product. Loss-of-function variants in NF1 are known to be pathogenic (PMID: 10712197, 23913538). This variant is not present in population databases (gnomAD no frequency). This variant has not been reported in the literature in individuals affected with NF1-related conditions. ClinVar contains an entry for this variant (Variation ID: 2768921). For these reasons, this variant has been classified as Pathogenic.

Literature cited by the submitters: PubMed 10712197; PubMed 23913538.

NM_001042492.3(NF1):c.7399dup (p.Ser2467fs)

Gene: NF1 (neurofibromin 1; plus strand). Cytogenetic location: 17q11.2.
Variant type: Duplication.
Coding change: c.7399dup on transcript NM_001042492.3 (MANE Select); coding-DNA position 7399, one base duplicated (T; older notation c.7399dupT).
Protein change: p.Ser2467fs; shifts the reading frame from serine 2467.
Molecular consequence: frameshift variant.
Genome position (GRCh38, 1-based): chr17:31,350,260, T duplicated; the last of 3 consecutive T bases (chr17:31,350,258-31,350,260); duplicating any one gives the same sequence. VCF-style (leftmost placement, unchanged base first): chr17-31350257-A-AT. GRCh37 (hg19) VCF-style: chr17-29677275-A-AT.
Other names: c.7336dup, p.Ser2446Phefs (NM_000267.4); short protein forms S2446fs, S2467fs.
Identifiers: ClinVar variation 2768921 (VCV002768921.3), dbSNP rs769052540, ClinGen allele CA2697559598.